The following is an entry in ClinVar:

ClinVar aggregate classification (germline): Uncertain significance. Review status: criteria provided, multiple submitters, no conflicts (2 of 4 stars). 2 submissions from 2 submitters: Uncertain significance (2). Last evaluated 2024-08-14.

Submissions (2):

GeneDx
Classification: Uncertain significance. Last evaluated: 2024-08-14. Review status: criteria provided, single submitter. Criteria: GeneDx Variant Classification Process June 2021. Collection method: clinical testing. Allele origin: germline. Affected: yes.
Comment: Not observed at significant frequency in large population cohorts (gnomAD); In silico analysis supports that this missense variant has a deleterious effect on protein structure/function; Has not been previously published as pathogenic or benign to our knowledge

Labcorp Genetics (formerly Invitae), Labcorp
Classification: Uncertain significance. Last evaluated: 2023-08-04. Review status: criteria provided, single submitter. Criteria: Invitae Variant Classification Sherloc (09022015). Collection method: clinical testing. Allele origin: germline.
Comment: In summary, the available evidence is currently insufficient to determine the role of this variant in disease. Therefore, it has been classified as a Variant of Uncertain Significance. An algorithm developed to predict the effect of missense changes on protein structure and function (PolyPhen-2) suggests that this variant is likely to be disruptive. This variant has not been reported in the literature in individuals affected with PPP2R5D-related conditions. This variant is not present in population databases (gnomAD no frequency). This sequence change replaces valine, which is neutral and non-polar, with glycine, which is neutral and non-polar, at codon 333 of the PPP2R5D protein (p.Val333Gly).

NM_006245.4(PPP2R5D):c.998T>G (p.Val333Gly)

Gene: PPP2R5D (protein phosphatase 2 regulatory subunit B'delta; plus strand). Cytogenetic location: 6p21.1.
Variant type: single nucleotide variant.
Coding change: c.998T>G on transcript NM_006245.4 (MANE Select); coding-DNA position 998, T replaced by G.
Protein change: p.Val333Gly; replaces valine 333 with glycine.
Molecular consequence: missense variant.
Genome position (GRCh38, 1-based): chr6:43,008,447, T>G. VCF-style: chr6-43008447-T-G. GRCh37 (hg19) VCF-style: chr6-42976185-T-G.
Other names: c.545T>G, p.Val182Gly (NM_001270476.2); c.902T>G, p.Val301Gly (NM_180976.3); c.680T>G, p.Val227Gly (NM_180977.3); c.998T>G (NM_006245.3); short protein forms V227G, V301G, V333G, V182G.
Identifiers: ClinVar variation 2817993 (VCV002817993.4), dbSNP rs2532481382, ClinGen allele CA364192146.